The following is an entry in ClinVar:

NM_032228.6(FAR1):c.242C>G (p.Ala81Gly)

Gene: FAR1 (fatty acyl-CoA reductase 1; plus strand). Cytogenetic location: 11p15.3.
Variant type: single nucleotide variant.
Coding change: c.242C>G on transcript NM_032228.6 (MANE Select); coding-DNA position 242, C replaced by G.
Protein change: p.Ala81Gly; replaces alanine 81 with glycine.
Molecular consequence: missense variant.
Genome position (GRCh38, 1-based): chr11:13,700,369, C>G. VCF-style: chr11-13700369-C-G. GRCh37 (hg19) VCF-style: chr11-13721916-C-G.
Other names: short protein forms A81G.
Identifiers: ClinVar variation 2776301 (VCV002776301.3), dbSNP rs2500114140, ClinGen allele CA379856435.

ClinVar aggregate classification (germline): Uncertain significance (1 of 4 stars; one submission).

Submission:

Labcorp Genetics (formerly Invitae), Labcorp
Classification: Uncertain significance. Last evaluated: 2023-02-22. Review status: criteria provided, single submitter. Criteria: Invitae Variant Classification Sherloc (09022015). Collection method: clinical testing. Allele origin: germline.
Comment: In summary, the available evidence is currently insufficient to determine the role of this variant in disease. Therefore, it has been classified as a Variant of Uncertain Significance. Advanced modeling of protein sequence and biophysical properties (such as structural, functional, and spatial information, amino acid conservation, physicochemical variation, residue mobility, and thermodynamic stability) performed at Invitae indicates that this missense variant is not expected to disrupt FAR1 protein function. This variant has not been reported in the literature in individuals affected with FAR1-related conditions. This variant is not present in population databases (gnomAD no frequency). This sequence change replaces alanine, which is neutral and non-polar, with glycine, which is neutral and non-polar, at codon 81 of the FAR1 protein (p.Ala81Gly).